The following is an entry in ClinVar:

NM_030957.4(ADAMTS10):c.1901-11G>A

Gene: ADAMTS10 (ADAM metallopeptidase with thrombospondin type 1 motif 10; minus strand). Cytogenetic location: 19p13.2.
Variant type: single nucleotide variant.
Coding change: c.1901-11G>A on transcript NM_030957.4 (MANE Select); 11 bases into the intron before coding-DNA position 1901, G replaced by A.
Molecular consequence: intron variant.
Genome position (GRCh38, 1-based): chr19:8,589,596, C>T on the plus strand (G>A on the coding strand, the complement: ADAMTS10 is on the minus strand). VCF-style: chr19-8589596-C-T. GRCh37 (hg19) VCF-style: chr19-8654480-C-T.
Other names: c.373-22G>A (NM_001282352.2).
Identifiers: ClinVar variation 330596 (VCV000330596.14), dbSNP rs117220199, ClinGen allele CA9160305.

ClinVar aggregate classification (germline): Benign. Review status: criteria provided, multiple submitters, no conflicts (2 of 4 stars). 2 submissions from 2 submitters: Benign (2). Last evaluated 2026-02-02.

Conditions:
Weill-Marchesani syndrome. Also called: WM Syndrome; Mesodermal dysmorphodystrophy congenital. Identifiers: Orphanet 3449, MedGen C0265313, MONDO:0018096.

Allele frequency attached by ClinVar (database versions not stated): ESP Exome Variant Server 0.00008; gnomAD 0.00106 and 0.00148; TOPMed 0.00255; ExAC 0.00299; gnomAD exomes 0.00307; 1000 Genomes Project 30x 0.00625; 1000 Genomes Project 0.00679.
gnomAD v4.1: 2,150 of 1,613,104 alleles (0.13%); highest among the groups gnomAD compares: East Asian, 4.3%; 43 homozygotes.

Submissions (2):

Labcorp Genetics (formerly Invitae), Labcorp
Classification: Benign. Last evaluated: 2026-02-02. Review status: criteria provided, single submitter. Criteria: Invitae Variant Classification Sherloc (09022015). Collection method: clinical testing. Allele origin: germline.

Illumina Laboratory Services, Illumina
Classification: Benign for Weill-Marchesani syndrome. Last evaluated: 2018-01-13. Review status: criteria provided, single submitter. Criteria: ICSL Variant Classification Criteria 13 December 2019. Collection method: clinical testing. Allele origin: germline.
Comment: This variant was observed in the ICSL laboratory as part of a predisposition screen in an ostensibly healthy population. It had not been previously curated by ICSL or reported in the Human Gene Mutation Database (HGMD: prior to June 1st, 2018), and was therefore a candidate for classification through an automated scoring system. Utilizing variant allele frequency, disease prevalence and penetrance estimates, and inheritance mode, an automated score was calculated to assess if this variant is too frequent to cause the disease. Based on the score and internal cut-off values, a variant classified as benign is not then subjected to further curation. The score for this variant resulted in a classification of benign for this disease.